The following is an entry in ClinVar:

NM_001008537.3(NEXMIF):c.758A>G (p.Asn253Ser)

Gene: NEXMIF (neurite extension and migration factor; minus strand). Cytogenetic location: Xq13.3.
Variant type: single nucleotide variant.
Coding change: c.758A>G on transcript NM_001008537.3 (MANE Select); coding-DNA position 758, A replaced by G.
Protein change: p.Asn253Ser; replaces asparagine 253 with serine.
Molecular consequence: missense variant.
Genome position (GRCh38, 1-based): chrX:74,743,799, T>C on the plus strand (A>G on the coding strand, the complement: NEXMIF is on the minus strand). VCF-style: chrX-74743799-T-C. GRCh37 (hg19) VCF-style: chrX-73963634-T-C.
Other names: short protein forms N253S.
Identifiers: ClinVar variation 3893513 (VCV003893513.1).
Genomic context (GRCh38, chrX:74,743,799, plus strand): 5'-AGCAGTTCAATCTTACTTTCACTAATAAAAGTCTCGAAGTAACCCCAATCCTGATTGGAA[T>C]TTGCAAGCAAAGCTTCTTCTGTATTGCACTTGTCTAACAGTAATGCCTCATAATAGCTTT-3'
Protein context (NP_001008537.1, residues 243-263): KCNTEEALLA[Asn253Ser]SNQDWGYFET

ClinVar aggregate classification (germline): Uncertain significance (1 of 4 stars; one submission).

Submission:

GeneDx
Classification: Uncertain significance. Last evaluated: 2024-10-24. Review status: criteria provided, single submitter. Criteria: GeneDx Variant Classification Process June 2021. Collection method: clinical testing. Allele origin: germline. Affected: yes.
Comment: Not observed at significant frequency in large population cohorts (gnomAD); In silico analysis indicates that this missense variant does not alter protein structure/function; Has not been previously published as pathogenic or benign to our knowledge